The following is an entry in ClinVar:

NM_000038.6(APC):c.835-4T>G

Gene: APC (APC regulator of Wnt signaling pathway; plus strand). Cytogenetic location: 5q22.2.
Variant type: single nucleotide variant.
Coding change: c.835-4T>G on transcript NM_000038.6 (MANE Select); 4 bases into the intron before coding-DNA position 835, T replaced by G.
Molecular consequence: intron variant.
Genome position (GRCh38, 1-based): chr5:112,815,491, T>G. VCF-style: chr5-112815491-T-G. GRCh37 (hg19) VCF-style: chr5-112151188-T-G.
Other names: c.835-4T>G (NM_001354895.2, NM_001127510.3, NM_001354896.2 and 1 more transcripts); c.865-4T>G (NM_001354897.2, NM_001354902.2); c.781-4T>G (NM_001127511.3); c.760-4T>G (NM_001354898.2, NM_001354904.2); c.-15-4T>G (NM_001354906.2); c.751-4T>G (NM_001354899.2); c.658-4T>G (NM_001354900.2, NM_001354901.2, NM_001354905.2).
Identifiers: ClinVar variation 421952 (VCV000421952.20), dbSNP rs756807560, ClinGen allele CA050586.
Genomic context (GRCh38, chr5:112,815,491, plus strand): 5'-CATGATGTTATCTGTATTTACCTATAGTCTAAATTATACCATCTATAATGTGCTTAATTT[T>G]TAGGGTTCAACTACACGAATGGACCATGAAACAGCCAGTGTTTTGAGTTCTAGTAGCACA-3'

ClinVar aggregate classification (germline): Conflicting classifications of pathogenicity. Review status: criteria provided, conflicting classifications (1 of 4 stars). 6 submissions from 6 submitters: Uncertain significance (3); Benign (1); Likely benign (1). 1 of the submissions does not count toward it. Last evaluated 2025-12-14.

Conditions:
Familial adenomatous polyposis 1 (FAP1). Also called: FAMILIAL ADENOMATOUS POLYPOSIS 1, ATTENUATED; POLYPOSIS, ADENOMATOUS INTESTINAL. Identifiers: MedGen C2713442, MONDO:0021056, OMIM 175100. Disease mechanism: loss of function.
Familial multiple polyposis syndrome (FAP). Also called: Classic familial adenomatous polyposis; Familial polyposis; Familial adenomatous polyposis; Familial intestinal polyposis; Familial Adenomatous Polyposis (FAP). Identifiers: Orphanet 733, MedGen C0032580, MONDO:0021055. Disease mechanism: loss of function.
Hereditary cancer-predisposing syndrome. Also called: Hereditary neoplastic syndrome; Neoplastic Syndromes, Hereditary; Tumor predisposition; Hereditary Cancer Syndrome. Identifiers: Orphanet 140162, MedGen C0027672, MeSH D009386, MONDO:0015356.

Allele frequency attached by ClinVar (database versions not stated): gnomAD 0.00001; gnomAD exomes 0.00001 and 0.00002; TOPMed 0.00001; ExAC 0.00003.
gnomAD v4.1: 9 of 1,609,032 alleles (0.00056%); highest among the groups gnomAD compares: Non-Finnish European, 0.00068%; no homozygotes.

Submissions (6):

Labcorp Genetics (formerly Invitae), Labcorp
Classification: Likely benign for Familial adenomatous polyposis 1. Last evaluated: 2025-12-14. Review status: criteria provided, single submitter. Criteria: Invitae Variant Classification Sherloc (09022015). Collection method: clinical testing. Allele origin: germline.

Color Diagnostics, LLC DBA Color Health
Classification: Uncertain significance for Hereditary cancer-predisposing syndrome. Last evaluated: 2023-11-09. Review status: criteria provided, single submitter. Criteria: ACMG Guidelines, 2015. Collection method: clinical testing. Allele origin: germline.
Comment: This variant causes a T to G nucleotide substitution at the -4 position of intron 8 of the APC gene. To our knowledge, functional studies have not been reported for this variant. This variant has not been reported in individuals affected with APC-related disorders in the literature. This variant has been identified in 7/282368 chromosomes in the general population by the Genome Aggregation Database (gnomAD). The available evidence is insufficient to determine the role of this variant in disease conclusively. Therefore, this variant is classified as a Variant of Uncertain Significance.

Ambry Genetics
Classification: Benign for Hereditary cancer-predisposing syndrome. Last evaluated: 2022-07-06. Review status: criteria provided, single submitter. Criteria: Ambry Variant Classification Scheme 2023. Collection method: clinical testing. Allele origin: germline.

Sema4
Classification: Uncertain significance for Hereditary cancer-predisposing syndrome. Last evaluated: 2022-03-03. Review status: criteria provided, single submitter. Criteria: Sema4 Curation Guidelines. Collection method: curation. Allele origin: germline.
Comment: The APC c.835-4T>G variant has not been reported in the literature to our knowledge. It was observed in 6/128786 chromosomes of the Non-Finnish European subpopulation in the large and broad cohorts of the Genome Aggregation Database (PMID: 32461654). This variant has been reported in ClinVar (Variation ID 421952). In silico tools suggest the variant does not have an impact on splicing, though these predictions have not been confirmed by functional studies. The evidence is insufficient to meet ACMG/AMP criteria for classifying the variant as benign or pathogenic. Thus, the clinical significance of this variant is currently uncertain.

GeneDx
Classification: Uncertain significance. Last evaluated: 2016-08-12. Review status: criteria provided, single submitter. Criteria: GeneDx Variant Classification (06012015). Collection method: clinical testing. Allele origin: germline. Affected: yes.
Comment: This variant is denoted APC c.835-4T>G or IVS8-4T>G and consists of a T>G nucleotide substitution at the -4 position of intron 8 of the APC gene. This variant has not, to our knowledge, been published in the literature as pathogenic or benign. In silico models are inconclusive with respect to splicing, and in the absence of RNA or functional studies, the actual effect of this variant is unknown. APC c.835-4T>G was not observed in approximately 6,500 individuals of European and African American ancestry in the NHLBI Exome Sequencing Project, suggesting it is not a common benign variant in these populations. The thymine (T) nucleotide that is altered is not conserved across species. Based on currently available information, it is unclear whether APC c.835-4T>G is a pathogenic or benign variant. We consider it to be a variant of uncertain significance.

Center for Human Genetics, Inc
Classification: Likely pathogenic for Familial multiple polyposis syndrome. Last evaluated: 2016-11-01. Review status: flagged submission. Criteria: ACMG Guidelines, 2015. Collection method: clinical testing. Allele origin: germline. Affected: yes. Not counted in ClinVar's aggregate classification.
ClinVar note: Reason: Outlier claim with insufficient supporting evidence